The following is an entry in ClinVar:

ClinVar aggregate classification (germline): Benign. Review status: criteria provided, multiple submitters, no conflicts (2 of 4 stars). 6 submissions from 6 submitters: Benign (6). Last evaluated 2024-11-27.

Conditions:
Usher syndrome type 1F (USH1F). Also called: USHER SYNDROME, TYPE IF. Identifiers: Orphanet 231169, Orphanet 886, MedGen C1865885, MONDO:0011186, OMIM 602083.

Allele frequency attached by ClinVar (database versions not stated): ESP Exome Variant Server 0.12605; ExAC 0.28710; 1000 Genomes Project 30x 0.32823; TOPMed 0.18100; gnomAD 0.17435; 1000 Genomes Project 0.34365.
gnomAD v4.1: 261,563 of 1,522,380 alleles (17%); highest among the groups gnomAD compares: East Asian, 87%; 36,148 homozygotes.

Submissions (6):

Blueprint Genetics
Classification: Benign. Last evaluated: 2024-11-27. Review status: criteria provided, single submitter. Criteria: ACMG Guidelines, 2015. Collection method: clinical testing. Allele origin: germline.

Labcorp Genetics (formerly Invitae), Labcorp
Classification: Benign. Last evaluated: 2023-12-13. Review status: criteria provided, single submitter. Criteria: Invitae Variant Classification Sherloc (09022015). Collection method: clinical testing. Allele origin: germline.

Genome-Nilou Lab
Classification: Benign for Usher syndrome type 1F. Last evaluated: 2021-07-01. Review status: criteria provided, single submitter. Criteria: ACMG Guidelines, 2015. Collection method: clinical testing. Allele origin: germline. Affected: no.

GeneDx
Classification: Benign. Last evaluated: 2015-03-03. Review status: criteria provided, single submitter. Criteria: GeneDx Variant Classification Process June 2021. Collection method: clinical testing. Allele origin: germline. Affected: yes.

Laboratory for Molecular Medicine, Mass General Brigham Personalized Medicine
Classification: Benign. Last evaluated: 2012-05-07. Review status: criteria provided, single submitter. Criteria: LMM Criteria. Collection method: clinical testing. Allele origin: germline. Observed: 508 variant alleles.
Comment: 1321-7C>T in Intron 12 of PCDH15: This variant is not expected to have clinical significance because it has been identified in 12.6% (685/5434) of European Amer ican chromosomes from a broad population by the NHLBI Exome Sequencing Project (dbSNP rs16905686).

Breakthrough Genomics
Classification: Benign. Review status: criteria provided, single submitter. Criteria: ACMG Guidelines, 2015. Collection method: not provided. Allele origin: germline. Inheritance: Autosomal recessive inheritance. Affected: yes.

NM_001384140.1(PCDH15):c.1306-4123C>T

Gene: PCDH15 (protocadherin related 15; minus strand). Cytogenetic location: 10q21.1.
Variant type: single nucleotide variant.
Coding change: c.1306-4123C>T on transcript NM_001384140.1 (MANE Select); 4123 bases into the intron before coding-DNA position 1306, C replaced by T.
Molecular consequence: intron variant.
Genome position (GRCh38, 1-based): chr10:54,189,391, G>A on the plus strand (C>T on the coding strand, the complement: PCDH15 is on the minus strand). VCF-style: chr10-54189391-G-A. GRCh37 (hg19) VCF-style: chr10-55949151-G-A.
Other names: c.1306-4123C>T (NM_001354420.2, NM_001354429.2, NM_001142772.2 and 6 more transcripts); c.1321-4123C>T (NM_001142771.2, NM_001142763.2); c.1306-7C>T (NM_001354411.2); c.1321-7C>T (NM_001142769.3); c.1240-4123C>T (NM_001354404.2, NM_001142773.2, NM_001142768.2); c.1195-4123C>T (NM_001142767.2).
Identifiers: ClinVar variation 44031 (VCV000044031.19), dbSNP rs16905686, ClinGen allele CA133429.
Genomic context (GRCh38, chr10:54,189,391, plus strand): 5'-AGAACAATCACAAGCTTAACACCTAGTACCTACAGGAACTCCACTGGGTGGAACCTATAC[G>A]CAAATTAAACATGAAATAAATATTGTAAATGTAAATGATCACAACCGCACATATGAAGAA-3'